The following is an entry in ClinVar:

NM_000492.4(CFTR):c.3277C>G (p.Leu1093Val)

Genes: CFTR (CF transmembrane conductance regulator; plus strand), CFTR-AS2 (CFTR antisense RNA 2; minus strand), LOC111674472 (DNase I hypersensitive sites in introns 16 and 17a of CFTR; plus strand). Cytogenetic location: 7q31.2.
Variant type: single nucleotide variant.
Coding change: c.3277C>G on transcript NM_000492.4 (MANE Select); coding-DNA position 3277, C replaced by G.
Protein change: p.Leu1093Val; replaces leucine 1093 with valine.
Molecular consequence: missense variant.
Genome position (GRCh38, 1-based): chr7:117,611,718, C>G. VCF-style: chr7-117611718-C-G. GRCh37 (hg19) VCF-style: chr7-117251772-C-G.
Other names: short protein forms L1093V.
Identifiers: ClinVar variation 2562525 (VCV002562525.6), dbSNP rs2116084967, ClinGen allele CA368992354.

ClinVar aggregate classification (germline): Uncertain significance. Review status: criteria provided, multiple submitters, no conflicts (2 of 4 stars). 3 submissions from 3 submitters: Uncertain significance (3). Last evaluated 2025-10-13.

Conditions:
Cystic fibrosis (CF). Also called: MUCOVISCIDOSIS. Identifiers: Orphanet 586, MedGen C0010674, MONDO:0009061, OMIM 219700. Disease mechanism: loss of function.

gnomAD v4.1: 1 of 1,613,502 alleles (0.000062%); highest among the groups gnomAD compares: African/African-American, 0.0013%; no homozygotes.

Submissions (3):

Women's Health and Genetics/Laboratory Corporation of America, LabCorp
Classification: Uncertain significance. Last evaluated: 2025-10-13. Review status: criteria provided, single submitter. Criteria: LabCorp Variant Classification Summary - May 2015. Collection method: clinical testing. Allele origin: germline.

Labcorp Genetics (formerly Invitae), Labcorp
Classification: Uncertain significance for Cystic fibrosis. Last evaluated: 2024-06-16. Review status: criteria provided, single submitter. Criteria: Invitae Variant Classification Sherloc (09022015). Collection method: clinical testing. Allele origin: germline.
Comment: This sequence change replaces leucine, which is neutral and non-polar, with valine, which is neutral and non-polar, at codon 1093 of the CFTR protein (p.Leu1093Val). This variant is not present in population databases (gnomAD no frequency). This variant has not been reported in the literature in individuals affected with CFTR-related conditions. ClinVar contains an entry for this variant (Variation ID: 2562525). Advanced modeling of protein sequence and biophysical properties (such as structural, functional, and spatial information, amino acid conservation, physicochemical variation, residue mobility, and thermodynamic stability) performed at Invitae indicates that this missense variant is expected to disrupt CFTR protein function with a positive predictive value of 80%. This variant disrupts the p.Leu1093 amino acid residue in CFTR. Other variant(s) that disrupt this residue have been determined to be pathogenic (PMID: 10649505). This suggests that this residue is clinically significant, and that variants that disrupt this residue are likely to be disease-causing. In summary, the available evidence is currently insufficient to determine the role of this variant in disease. Therefore, it has been classified as a Variant of Uncertain Significance.

Ambry Genetics
Classification: Uncertain significance for Cystic fibrosis. Last evaluated: 2023-04-30. Review status: criteria provided, single submitter. Criteria: Ambry Variant Classification Scheme 2023. Collection method: clinical testing. Allele origin: germline.
Comment: The p.L1093V variant (also known as c.3277C>G), located in coding exon 20 of the CFTR gene, results from a C to G substitution at nucleotide position 3277. The leucine at codon 1093 is replaced by valine, an amino acid with highly similar properties. This amino acid position is conserved. In addition, the in silico prediction for this alteration is inconclusive. Since supporting evidence is limited at this time, the clinical significance of this alteration remains unclear.

Literature cited by the submitters: PubMed 10649505 (cited by Labcorp Genetics (formerly Invitae), Labcorp).